The following is an entry in ClinVar:

ClinVar aggregate classification (germline): Benign/Likely benign. Review status: criteria provided, multiple submitters, no conflicts (2 of 4 stars). 24 submissions from 24 submitters: Benign (5); Likely benign (14). 5 of the submissions do not count toward it. Last evaluated 2026-03-01.

Conditions:
Polymicrogyria with or without vascular-type Ehlers-Danlos syndrome. Identifiers: Orphanet 636941, MedGen C5193040, MONDO:0032688, OMIM 618343.
Ehlers-Danlos syndrome, type 4 (EDSVASC). Also called: Ehlers-Danlos syndrome vascular type; Ehlers Danlos syndrome, ecchymotic type; Ehlers Danlos syndrome, arterial type; Ehlers Danlos syndrome, Sack-Barabas type; Ehlers-Danlos Syndrome Type IV. Identifiers: Orphanet 286, MedGen C0268338, MONDO:0017314, OMIM 130050.
Connective tissue disorder. Also called: Connective tissue disease. Identifiers: MedGen C0009782, MONDO:0003900.
Ehlers-Danlos syndrome (EDS). Identifiers: Orphanet 98249, MedGen C0013720, MONDO:0020066.
Familial thoracic aortic aneurysm and aortic dissection (TAAD). Also called: Thoracic aortic aneurysms and dissections. Identifiers: Orphanet 91387, MedGen C4707243, MONDO:0019625.

Allele frequency attached by ClinVar (database versions not stated): 1000 Genomes Project 30x 0.00016; 1000 Genomes Project 0.00020; ExAC 0.00136; gnomAD exomes 0.00138 and 0.00280; gnomAD 0.00170 and 0.00176; TOPMed 0.00182; ESP Exome Variant Server 0.00285.
gnomAD v4.1: 4,380 of 1,613,090 alleles (0.27%); highest among the groups gnomAD compares: Non-Finnish European, 0.34%; 14 homozygotes.

Submissions (24):

CeGaT Center for Human Genetics Tuebingen
Classification: Likely benign. Last evaluated: 2026-03-01. Review status: criteria provided, single submitter. Criteria: CeGaT Center For Human Genetics Tuebingen Variant Classification Criteria Version 2. Collection method: clinical testing. Allele origin: germline. Affected: yes. Observed: 16 variant alleles.
Comment: COL3A1: BP4, BS2

Labcorp Genetics (formerly Invitae), Labcorp
Classification: Likely benign for Ehlers-Danlos syndrome, type 4. Last evaluated: 2026-02-04. Review status: criteria provided, single submitter. Criteria: Invitae Variant Classification Sherloc (09022015). Collection method: clinical testing. Allele origin: germline.

ARUP Laboratories, Molecular Genetics and Genomics, ARUP Laboratories
Classification: Benign. Last evaluated: 2025-05-02. Review status: criteria provided, single submitter. Criteria: ARUP Molecular Germline Variant Investigation Process 2024. Collection method: clinical testing. Allele origin: germline.

Molecular Diagnostic Laboratory for Inherited Cardiovascular Disease, Montreal Heart Institute
Classification: Likely benign. Last evaluated: 2025-04-09. Review status: criteria provided, single submitter. Criteria: ACMG Guidelines, 2015. Collection method: clinical testing. Allele origin: germline. Affected: no.
Comment: BS1;BP4

Blueprint Genetics
Classification: Likely benign. Last evaluated: 2024-11-13. Review status: criteria provided, single submitter. Criteria: ACMG Guidelines, 2015. Collection method: clinical testing. Allele origin: germline.

All of Us Research Program, National Institutes of Health
Classification: Likely benign for Ehlers-Danlos syndrome, type 4. Last evaluated: 2024-09-27. Review status: criteria provided, single submitter. Criteria: ACMG Guidelines, 2015. Collection method: clinical testing. Allele origin: germline. Inheritance: Autosomal dominant inheritance. Observed: 617 variant alleles, 615 heterozygotes, 2 homozygotes.
Comment: This study involves interpretation of variants in research participants for the purpose of population health screening. Participant phenotype was not available at the time of variant classification. Additional details can be found in publication PMID: 35346344, PMCID: PMC8962531

Mayo Clinic Laboratories, Mayo Clinic
Classification: Benign. Last evaluated: 2024-07-29. Review status: criteria provided, single submitter. Criteria: ACMG Guidelines, 2015. Collection method: clinical testing. Allele origin: germline. Observed: 24 variant alleles.
Comment: BS1, BS2

Fulgent Genetics
Classification: Likely benign for Ehlers-Danlos syndrome, type 4; Polymicrogyria with or without vascular-type Ehlers-Danlos syndrome. Last evaluated: 2022-04-29. Review status: criteria provided, single submitter. Criteria: ACMG Guidelines, 2015. Collection method: clinical testing. Allele origin: unknown.

Genome Diagnostics Laboratory, The Hospital for Sick Children
Classification: Benign for Ehlers-Danlos syndrome. Last evaluated: 2022-03-23. Review status: criteria provided, single submitter. Criteria: ACMG Guidelines, 2015. Collection method: clinical testing. Allele origin: germline.

Ambry Genetics
Classification: Likely benign for Familial thoracic aortic aneurysm and aortic dissection. Last evaluated: 2021-11-05. Review status: criteria provided, single submitter. Criteria: Ambry Variant Classification Scheme 2023. Collection method: clinical testing. Allele origin: germline.

GeneDx
Classification: Likely benign. Last evaluated: 2021-03-24. Review status: criteria provided, single submitter. Criteria: GeneDx Variant Classification Process June 2021. Collection method: clinical testing. Allele origin: germline. Affected: yes.
Comment: This variant is associated with the following publications: (PMID: 27153395, 21086191, 25637381, 25525159, 24055113, 25758994, 26017485, 26332594, 25834947, 25985138, 25504618, 30122538, 28567303)

Women's Health and Genetics/Laboratory Corporation of America, LabCorp
Classification: Benign. Last evaluated: 2019-04-01. Review status: criteria provided, single submitter. Criteria: LabCorp Variant Classification Summary - May 2015. Collection method: clinical testing. Allele origin: germline.
Comment: Variant summary: COL3A1 c.812G>A (p.Arg271Gln) results in a conservative amino acid change in the encoded protein sequence. Five of five in-silico tools predict a benign effect of the variant on protein function. The variant allele was found at a frequency of 0.0014 in 278388 control chromosomes, predominantly at a frequency of 0.0024 within the Non-Finnish European subpopulation in the gnomAD database. The observed variant frequency within Non-Finnish European control individuals in the gnomAD database is approximately 1920 fold of the estimated maximal expected allele frequency for a pathogenic variant in COL3A1 causing Aortopathy phenotype (1.3e-06), strongly suggesting that the variant is a benign polymorphism found primarily in populations of Non-Finnish European origin. The variant has been reported in patients with traumatic subarachnoid hemorrhage, familial abdominal aortic aneurysm and in two patients with clinical features of EhlersDanlos syndrome (Pickup _2011, van de Luijtgaarden_2015, Frank_2015). These reports however, do not provide unequivocal conclusions about association of the variant with Aortopathy. In a recent study examining a cohort of cases received to interpret variants originally identified by an outside laboratory, this variant was reportedly identified with another (identity not provided) mutation in 5 out of 14 unrelated probands, was inherited from an unaffected parent in one case and was reportedly found to have a normal type III collagen analysis in one patient (Pepin_2015). To our knowledge, no other experimental evidence demonstrating an impact on protein function has been reported. Nine clinical diagnostic laboratories have submitted clinical-significance assessments for this variant to ClinVar after 2014 without evidence for independent evaluation. All laboratories classified the variant as benign (X2)/likely benign (X7). Based on the evidence outlined above, the variant was classified as benign.

Center for Human Genetics, Inc
Classification: Likely benign for Connective tissue disorder. Last evaluated: 2018-06-01. Review status: criteria provided, single submitter. Criteria: ACMG Guidelines, 2015. Collection method: clinical testing. Allele origin: germline. Affected: yes.

Illumina Laboratory Services, Illumina
Classification: Likely benign for Ehlers-Danlos syndrome, type 4. Last evaluated: 2018-03-15. Review status: criteria provided, single submitter. Criteria: ICSL Variant Classification Criteria 13 December 2019. Collection method: clinical testing. Allele origin: germline.
Comment: This variant was observed as part of a predisposition screen in an ostensibly healthy population. A literature search was performed for the gene, cDNA change, and amino acid change (where applicable). Publications were found based on this search. The evidence from the literature, in combination with allele frequency data from public databases where available, was sufficient to determine this variant is unlikely to cause disease. Therefore, this variant is classified as likely benign.

Color Diagnostics, LLC DBA Color Health
Classification: Likely benign for Familial thoracic aortic aneurysm and aortic dissection. Last evaluated: 2018-03-14. Review status: criteria provided, single submitter. Criteria: ACMG Guidelines, 2015. Collection method: clinical testing. Allele origin: germline.

Eurofins Ntd Llc (ga)
Classification: Likely benign. Last evaluated: 2017-08-02. Review status: criteria provided, single submitter. Criteria: EGL Classification Definitions 2015. Collection method: clinical testing. Allele origin: germline. Observed: 2 variant alleles, 2 heterozygotes.

Center for Pediatric Genomic Medicine, Children's Mercy Hospital and Clinics
Classification: Likely benign. Last evaluated: 2017-03-10. Review status: criteria provided, single submitter. Criteria: ACMG Guidelines, 2015. Collection method: clinical testing. Allele origin: germline.

CHEO Genetics Diagnostic Laboratory, Children's Hospital of Eastern Ontario
Classification: Likely benign for Familial thoracic aortic aneurysm and aortic dissection. Last evaluated: 2016-06-23. Review status: criteria provided, single submitter. Criteria: ACMG Guidelines, 2015. Collection method: clinical testing. Allele origin: germline. Study: Canadian Open Genetics Repository.

Genomic Diagnostic Laboratory, Division of Genomic Diagnostics, Children's Hospital of Philadelphia
Classification: Benign for Ehlers-Danlos syndrome, type 4. Last evaluated: 2015-11-08. Review status: criteria provided, single submitter. Criteria: DGD Variant Analysis Guidelines. Collection method: clinical testing. Allele origin: unknown.

CSER _CC_NCGL, University of Washington
Classification: Likely benign for Ehlers-Danlos syndrome, vascular-type. Last evaluated: 2014-06-01. Review status: no assertion criteria provided. Collection method: research. Allele origin: germline. Inheritance: Autosomal dominant inheritance. Study: ESP 6500 variant annotation. Not counted in ClinVar's aggregate classification.
Comment: Variants classified for the Actionable exomic incidental findings in 6503 participants: challenges of variant classification manuscript

Clinical Genetics DNA and cytogenetics Diagnostics Lab, Erasmus MC, Erasmus Medical Center
Classification: Likely benign. Review status: no assertion criteria provided. Collection method: clinical testing. Allele origin: germline. Affected: yes. Study: VKGL Data-share Consensus. Not counted in ClinVar's aggregate classification.

Genome Diagnostics Laboratory, Amsterdam University Medical Center
Classification: Likely benign. Review status: no assertion criteria provided. Collection method: clinical testing. Allele origin: germline. Affected: yes. Study: VKGL Data-share Consensus. Not counted in ClinVar's aggregate classification.

Genome Diagnostics Laboratory, University Medical Center Utrecht
Classification: Likely benign. Review status: no assertion criteria provided. Collection method: clinical testing. Allele origin: germline. Affected: yes. Study: VKGL Data-share Consensus. Not counted in ClinVar's aggregate classification.

Laboratory of Diagnostic Genome Analysis, Leiden University Medical Center (LUMC)
Classification: Likely benign. Review status: no assertion criteria provided. Collection method: clinical testing. Allele origin: germline. Affected: yes. Study: VKGL Data-share Consensus. Not counted in ClinVar's aggregate classification.

Literature cited by the submitters: PubMed 33974636 (cited by Mayo Clinic Laboratories, Mayo Clinic); PubMed 24036952 (cited by Women's Health and Genetics/Laboratory Corporation of America, LabCorp); PubMed 21086191 (cited by Women's Health and Genetics/Laboratory Corporation of America, LabCorp and Illumina Laboratory Services, Illumina); PubMed 24055113 (cited by Women's Health and Genetics/Laboratory Corporation of America, LabCorp); PubMed 21984974 (cited by Women's Health and Genetics/Laboratory Corporation of America, LabCorp); PubMed 26017485 (cited by Women's Health and Genetics/Laboratory Corporation of America, LabCorp); PubMed 26332594 (cited by Women's Health and Genetics/Laboratory Corporation of America, LabCorp); PubMed 25758994 (cited by Women's Health and Genetics/Laboratory Corporation of America, LabCorp); PubMed 25834947 (cited by Women's Health and Genetics/Laboratory Corporation of America, LabCorp).

NM_000090.4(COL3A1):c.812G>A (p.Arg271Gln)

Gene: COL3A1 (collagen type III alpha 1 chain; plus strand). Cytogenetic location: 2q32.2.
Variant type: single nucleotide variant.
Coding change: c.812G>A on transcript NM_000090.4 (MANE Select); coding-DNA position 812, G replaced by A.
Protein change: p.Arg271Gln; replaces arginine 271 with glutamine.
Molecular consequence: missense variant.
Genome position (GRCh38, 1-based): chr2:188,991,017, G>A. VCF-style: chr2-188991017-G-A. GRCh37 (hg19) VCF-style: chr2-189855743-G-A.
Other names: p.R271Q:CGA>CAA; short protein forms R271Q.
Identifiers: ClinVar variation 161215 (VCV000161215.88), dbSNP rs112185887, ClinGen allele CA007481.